The following is an entry in ClinVar:

ClinVar aggregate classification (germline): Conflicting classifications of pathogenicity. Review status: criteria provided, conflicting classifications (1 of 4 stars). 2 submissions from 2 submitters: Uncertain significance (1); Benign (1). Last evaluated 2025-05-15.

Conditions:
Hereditary cancer-predisposing syndrome. Also called: Tumor predisposition; Hereditary neoplastic syndrome; Neoplastic Syndromes, Hereditary; Hereditary Cancer Syndrome. Identifiers: Orphanet 140162, MedGen C0027672, MeSH D009386, MONDO:0015356.
Tuberous sclerosis 2 (TSC2). Identifiers: Orphanet 805, MedGen C1860707, MONDO:0013199, OMIM 613254.

Allele frequency attached by ClinVar (database versions not stated): gnomAD exomes below 0.00001; ExAC 0.00001.

Submissions (2):

Ambry Genetics
Classification: Uncertain significance for Hereditary cancer-predisposing syndrome. Last evaluated: 2025-05-15. Review status: criteria provided, single submitter. Criteria: Ambry Variant Classification Scheme 2023. Collection method: clinical testing. Allele origin: germline.
Comment: The p.P754S variant (also known as c.2260C>T), located in coding exon 20 of the TSC2 gene, results from a C to T substitution at nucleotide position 2260. The proline at codon 754 is replaced by serine, an amino acid with similar properties. This amino acid position is well conserved in available vertebrate species. In addition, the in silico prediction for this alteration is inconclusive. Based on the available evidence, the clinical significance of this variant remains unclear.

Labcorp Genetics (formerly Invitae), Labcorp
Classification: Benign for Tuberous sclerosis 2. Last evaluated: 2023-08-20. Review status: criteria provided, single submitter. Criteria: Invitae Variant Classification Sherloc (09022015). Collection method: clinical testing. Allele origin: germline.

NM_000548.5(TSC2):c.2260C>T (p.Pro754Ser)

Gene: TSC2 (TSC complex subunit 2; plus strand). Cytogenetic location: 16p13.3.
Variant type: single nucleotide variant.
Coding change: c.2260C>T on transcript NM_000548.5 (MANE Select); coding-DNA position 2260, C replaced by T.
Protein change: p.Pro754Ser; replaces proline 754 with serine.
Molecular consequence: missense variant.
Genome position (GRCh38, 1-based): chr16:2,072,888, C>T. VCF-style: chr16-2072888-C-T. GRCh37 (hg19) VCF-style: chr16-2122889-C-T.
Other names: c.2260C>T, p.Pro754Ser (NM_001077183.3, NM_001114382.3, NM_001363528.2 and 3 more transcripts); c.2149C>T, p.Pro717Ser (NM_001318827.2); c.2113C>T, p.Pro705Ser (NM_001318829.2); c.1660C>T, p.Pro554Ser (NM_001318831.2); c.2293C>T, p.Pro765Ser (NM_001318832.2); c.2260C>T (NM_000548.3); short protein forms P554S, P717S, P765S, P754S, P705S.
Identifiers: ClinVar variation 1501972 (VCV001501972.7), dbSNP rs752603642, ClinGen allele CA037977.